The following is an entry in ClinVar:

ClinVar aggregate classification (germline): Benign/Likely benign. Review status: criteria provided, multiple submitters, no conflicts (2 of 4 stars). 2 submissions from 2 submitters: Benign (1); Likely benign (1). Last evaluated 2025-12-16.

Conditions:
Kabuki syndrome. Also called: Kabuki make-up syndrome; NIIKAWA-KUROKI SYNDROME. Identifiers: Orphanet 2322, MedGen C0796004, MONDO:0016512.
KMT2D-related disorder. Also called: KMT2D-Related Disorders.

Allele frequency attached by ClinVar (database versions not stated): gnomAD 0.00001.
gnomAD v4.1: 8 of 1,612,132 alleles (0.0005%); highest among the groups gnomAD compares: East Asian, 0.0022%; no homozygotes.

Submissions (2):

PreventionGenetics, part of Exact Sciences
Classification: Likely benign for KMT2D-related condition. Last evaluated: 2025-12-16. Review status: criteria provided, single submitter. Criteria: ACMG Guidelines, 2015. Collection method: clinical testing. Allele origin: germline.
Comment: This variant is classified as likely benign based on ACMG/AMP sequence variant interpretation guidelines (Richards et al. 2015 PMID: 25741868, with internal and published modifications).

Labcorp Genetics (formerly Invitae), Labcorp
Classification: Benign for Kabuki syndrome. Last evaluated: 2024-10-16. Review status: criteria provided, single submitter. Criteria: Invitae Variant Classification Sherloc (09022015). Collection method: clinical testing. Allele origin: germline.

NM_003482.4(KMT2D):c.2142G>A (p.Ser714=)

Gene: KMT2D (lysine methyltransferase 2D; minus strand). Cytogenetic location: 12q13.12.
Variant type: single nucleotide variant.
Coding change: c.2142G>A on transcript NM_003482.4 (MANE Select); coding-DNA position 2142, G replaced by A.
Protein change: p.Ser714=; no amino-acid change (serine 714 retained).
Molecular consequence: synonymous variant.
Genome position (GRCh38, 1-based): chr12:49,051,541, C>T on the plus strand (G>A on the coding strand, the complement: KMT2D is on the minus strand). VCF-style: chr12-49051541-C-T. GRCh37 (hg19) VCF-style: chr12-49445324-C-T.
Identifiers: ClinVar variation 1955265 (VCV001955265.6), dbSNP rs1260712816, ClinGen allele CA479714542.